The following is an entry in ClinVar:

ClinVar aggregate classification (germline): Likely benign (1 of 4 stars; one submission).

Allele frequency attached by ClinVar (database versions not stated): ExAC 0.00001; gnomAD 0.00001; TOPMed 0.00002; 1000 Genomes Project 0.00020; 1000 Genomes Project 30x 0.00031.
gnomAD v4.1: 78 of 1,612,288 alleles (0.0048%); highest among the groups gnomAD compares: East Asian, 0.0067%; no homozygotes.

Submission:

CeGaT Center for Human Genetics Tuebingen
Classification: Likely benign. Last evaluated: 2023-03-01. Review status: criteria provided, single submitter. Criteria: CeGaT Center For Human Genetics Tuebingen Variant Classification Criteria Version 2. Collection method: clinical testing. Allele origin: germline. Affected: yes. Observed: 1 variant allele.
Comment: RIPK4: BP4, BP7

NM_020639.3(RIPK4):c.1593C>T (p.Asn531=)

Gene: RIPK4 (receptor interacting serine/threonine kinase 4; minus strand). Cytogenetic location: 21q22.3.
Variant type: single nucleotide variant.
Coding change: c.1593C>T on transcript NM_020639.3 (MANE Select); coding-DNA position 1593, C replaced by T.
Protein change: p.Asn531=; no amino-acid change (asparagine 531 retained).
Molecular consequence: synonymous variant.
Genome position (GRCh38, 1-based): chr21:41,741,600, G>A on the plus strand (C>T on the coding strand, the complement: RIPK4 is on the minus strand). VCF-style: chr21-41741600-G-A. GRCh37 (hg19) VCF-style: chr21-43161760-G-A.
Identifiers: ClinVar variation 2652682 (VCV002652682.24), dbSNP rs200691888, ClinGen allele CA10035265.